The following is an entry in ClinVar:

ClinVar aggregate classification (germline): Uncertain significance (1 of 4 stars; one submission).

Conditions:
Duchenne muscular dystrophy (DMD). Also called: Duchenne Muscular Dystrophy (DMD); MUSCULAR DYSTROPHY, PSEUDOHYPERTROPHIC PROGRESSIVE, DUCHENNE TYPE. Identifiers: Orphanet 98896, MedGen C0013264, MONDO:0010679, OMIM 310200.

Submission:

Labcorp Genetics (formerly Invitae), Labcorp
Classification: Uncertain significance for Duchenne muscular dystrophy. Last evaluated: 2024-01-08. Review status: criteria provided, single submitter. Criteria: Invitae Variant Classification Sherloc (09022015). Collection method: clinical testing. Allele origin: germline.
Comment: This variant results in a copy number gain of the genomic region encompassing exon(s) 56-59 of the DMD gene. While the exact position of this variant cannot be determined from the data, sub-genic copy number gains are generally in tandem (PMID: 25640679). This variant is predicted to be in-frame, and likely preserves the integrity of the reading frame. This variant has not been reported in the literature in individuals affected with DMD-related conditions. Experimental studies and prediction algorithms are not available or were not evaluated, and the functional significance of this variant is currently unknown. In summary, the available evidence is currently insufficient to determine the role of this variant in disease. Therefore, it has been classified as a Variant of Uncertain Significance.

Literature cited by the submitters: PubMed 25640679.

NC_000023.10:g.(?_31496203)_(31525590_?)dup

Gene: DMD (dystrophin; minus strand). Cytogenetic location: Xp21.2-21.1.
Variant type: Duplication.
Identifiers: ClinVar variation 2424985 (VCV002424985.5).